The following is an entry in ClinVar:

NM_001318852.2(MAPK8IP3):c.3149T>C (p.Ile1050Thr)

Gene: MAPK8IP3 (mitogen-activated protein kinase 8 interacting protein 3; plus strand). Cytogenetic location: 16p13.3.
Variant type: single nucleotide variant.
Coding change: c.3149T>C on transcript NM_001318852.2 (MANE Select); coding-DNA position 3149, T replaced by C.
Protein change: p.Ile1050Thr; replaces isoleucine 1050 with threonine.
Molecular consequence: missense variant.
Genome position (GRCh38, 1-based): chr16:1,767,209, T>C. VCF-style: chr16-1767209-T-C. GRCh37 (hg19) VCF-style: chr16-1817210-T-C.
Other names: c.3128T>C, p.Ile1043Thr (NM_001040439.2); c.3146T>C, p.Ile1049Thr (NM_015133.5); short protein forms I1043T, I1049T, I1050T.
Identifiers: ClinVar variation 3781145 (VCV003781145.1).

ClinVar aggregate classification (germline): Uncertain significance (1 of 4 stars; one submission).

gnomAD v4.1: 2 of 1,613,420 alleles (0.00012%); highest among the groups gnomAD compares: Non-Finnish European, 0.00017%; no homozygotes.

Submission:

GeneDx
Classification: Uncertain significance. Last evaluated: 2024-10-14. Review status: criteria provided, single submitter. Criteria: GeneDx Variant Classification Process June 2021. Collection method: clinical testing. Allele origin: germline. Affected: yes.
Comment: Not observed at significant frequency in large population cohorts (gnomAD); In silico analysis supports that this missense variant has a deleterious effect on protein structure/function; Has not been previously published as pathogenic or benign to our knowledge